The following is an entry in ClinVar:

NM_020461.4(TUBGCP6):c.4937T>G (p.Phe1646Cys)

Gene: TUBGCP6 (tubulin gamma complex component 6; minus strand). Cytogenetic location: 22q13.33.
Variant type: single nucleotide variant.
Coding change: c.4937T>G on transcript NM_020461.4 (MANE Select); coding-DNA position 4937, T replaced by G.
Protein change: p.Phe1646Cys; replaces phenylalanine 1646 with cysteine.
Molecular consequence: missense variant.
Genome position (GRCh38, 1-based): chr22:50,218,505, A>C on the plus strand (T>G on the coding strand, the complement: TUBGCP6 is on the minus strand). VCF-style: chr22-50218505-A-C. GRCh37 (hg19) VCF-style: chr22-50656934-A-C.
Other names: short protein forms F1646C.
Identifiers: ClinVar variation 1413575 (VCV001413575.3), dbSNP rs143986659, ClinGen allele CA10307273.
Genomic context (GRCh38, chr22:50,218,505, plus strand): 5'-TCCAGCCAGGGGTGCGGGGCGCCGGGCTCCAGCGGGGCCTCACCTGTGCGCTTGAGGTGG[A>C]AGCAGACGTCCTTGAGCGCCCACATCATGAGCTTCAGCTGCAGCAGGAAGGAGAAGACGC-3'
Protein context (NP_065194.3, residues 1636-1656): LMMWALKDVC[Phe1646Cys]HLKRTALLSH

ClinVar aggregate classification (germline): Uncertain significance (1 of 4 stars; one submission).

Allele frequency attached by ClinVar (database versions not stated): ExAC 0.00002; TOPMed 0.00004; ESP Exome Variant Server 0.00015; gnomAD 0.00001; gnomAD exomes 0.00001.
gnomAD v4.1: 10 of 1,613,430 alleles (0.00062%); highest among the groups gnomAD compares: African/African-American, 0.004%; no homozygotes.

Submission:

Labcorp Genetics (formerly Invitae), Labcorp
Classification: Uncertain significance. Last evaluated: 2022-09-07. Review status: criteria provided, single submitter. Criteria: Invitae Variant Classification Sherloc (09022015). Collection method: clinical testing. Allele origin: germline.
Comment: This sequence change replaces phenylalanine, which is neutral and non-polar, with cysteine, which is neutral and slightly polar, at codon 1646 of the TUBGCP6 protein (p.Phe1646Cys). This variant is present in population databases (rs143986659, gnomAD 0.02%). This variant has not been reported in the literature in individuals affected with TUBGCP6-related conditions. ClinVar contains an entry for this variant (Variation ID: 1413575). Algorithms developed to predict the effect of missense changes on protein structure and function output the following: SIFT: "Tolerated"; PolyPhen-2: "Possibly Damaging"; Align-GVGD: "Class C0". The cysteine amino acid residue is found in multiple mammalian species, which suggests that this missense change does not adversely affect protein function. In summary, the available evidence is currently insufficient to determine the role of this variant in disease. Therefore, it has been classified as a Variant of Uncertain Significance.